The following is an entry in ClinVar:

ClinVar aggregate classification (germline): Uncertain significance (1 of 4 stars; one submission).

Conditions:
Hereditary sensory and autonomic neuropathy type 6. Also called: HSAN VI; Neuropathy, hereditary sensory and autonomic, type VI. Identifiers: Orphanet 314381, MedGen C3539003, MONDO:0013839, OMIM 614653.
Epidermolysis bullosa simplex 3, localized or generalized intermediate, with BP230 deficiency (EBS3). Also called: Epidermolysis bullosa simplex, autosomal recessive 2; Epidermolysis bullosa simplex due to BP230 deficiency. Identifiers: Orphanet 412181, MedGen C3809470, MONDO:0014180, OMIM 615425.

Allele frequency attached by ClinVar (database versions not stated): gnomAD exomes below 0.00001.
gnomAD v4.1: 2 of 1,559,460 alleles (0.00013%); highest among the groups gnomAD compares: Non-Finnish European, 0.00017%; no homozygotes.

Submission:

Labcorp Genetics (formerly Invitae), Labcorp
Classification: Uncertain significance for Epidermolysis bullosa simplex 3, localized or generalized intermediate, with BP230 deficiency; Hereditary sensory and autonomic neuropathy type 6. Last evaluated: 2022-12-27. Review status: criteria provided, single submitter. Criteria: Invitae Variant Classification Sherloc (09022015). Collection method: clinical testing. Allele origin: germline.
Comment: In summary, the available evidence is currently insufficient to determine the role of this variant in disease. Therefore, it has been classified as a Variant of Uncertain Significance. Experimental studies and prediction algorithms are not available or were not evaluated, and the effect of this variant on mRNA splicing is currently unknown. This variant has not been reported in the literature in individuals affected with DST-related conditions. This variant is not present in population databases (gnomAD no frequency). This sequence change falls in intron 54 of the DST gene. It does not directly change the encoded amino acid sequence of the DST protein. The DST gene has multiple clinically relevant transcripts. This variant occurs in alternate transcript NM_015548.4, and corresponds to NM_001723.5:c.*104338A>G in the primary transcript.

NM_001374736.1(DST):c.18780+18A>G

Gene: DST (dystonin; minus strand). Cytogenetic location: 6p12.1.
Variant type: single nucleotide variant.
Coding change: c.18780+18A>G on transcript NM_001374736.1 (MANE Select); 18 bases into the intron after coding-DNA position 18780, A replaced by G.
Molecular consequence: intron variant.
Genome position (GRCh38, 1-based): chr6:56,511,179, T>C on the plus strand (A>G on the coding strand, the complement: DST is on the minus strand). VCF-style: chr6-56511179-T-C. GRCh37 (hg19) VCF-style: chr6-56375977-T-C.
Other names: c.12423+18A>G (NM_001144769.5); c.18780+18A>G (NM_001374722.1); c.18807+18A>G (NM_001374734.1); c.12009+18A>G (NM_001144770.2); c.11562+18A>G (NM_001374730.1); c.11889+18A>G (NM_001386100.1, NM_183380.4); c.17820+18A>G (NM_001374729.1); c.10911+18A>G (NM_015548.5).
Identifiers: ClinVar variation 2938724 (VCV002938724.3), dbSNP rs2096468437, ClinGen allele CA1630129110.